The following is an entry in ClinVar:

NM_001271.4(CHD2):c.5047G>A (p.Ala1683Thr)

Gene: CHD2 (chromodomain helicase DNA binding protein 2; plus strand). Cytogenetic location: 15q26.1.
Variant type: single nucleotide variant.
Coding change: c.5047G>A on transcript NM_001271.4 (MANE Select); coding-DNA position 5047, G replaced by A.
Protein change: p.Ala1683Thr; replaces alanine 1683 with threonine.
Molecular consequence: missense variant.
Genome position (GRCh38, 1-based): chr15:93,020,152, G>A. VCF-style: chr15-93020152-G-A. GRCh37 (hg19) VCF-style: chr15-93563382-G-A.
Other names: short protein forms A1683T.
Identifiers: ClinVar variation 513760 (VCV000513760.25), dbSNP rs747794466, ClinGen allele CA7748630.

ClinVar aggregate classification (germline): Conflicting classifications of pathogenicity. Review status: criteria provided, conflicting classifications (1 of 4 stars). 5 submissions from 5 submitters: Uncertain significance (2); Benign (1); Likely benign (2). Last evaluated 2026-01-26.

Conditions:
Developmental and epileptic encephalopathy 94 (DEE94). Also called: Epileptic encephalopathy, childhood-onset; CHD2-Related Neurodevelopmental Disorders. Identifiers: Orphanet 1942, Orphanet 2382, MedGen C3809278, MONDO:0014150, OMIM 615369.

Allele frequency attached by ClinVar (database versions not stated): TOPMed 0.00002; gnomAD 0.00004 and 0.00005; gnomAD exomes 0.00006; ExAC 0.00007.
gnomAD v4.1: 56 of 1,613,984 alleles (0.0035%); highest among the groups gnomAD compares: South Asian, 0.012%; no homozygotes.

Submissions (5):

Labcorp Genetics (formerly Invitae), Labcorp
Classification: Benign for Developmental and epileptic encephalopathy 94. Last evaluated: 2026-01-26. Review status: criteria provided, single submitter. Criteria: Invitae Variant Classification Sherloc (09022015). Collection method: clinical testing. Allele origin: germline.

CeGaT Center for Human Genetics Tuebingen
Classification: Likely benign. Last evaluated: 2025-06-01. Review status: criteria provided, single submitter. Criteria: CeGaT Center For Human Genetics Tuebingen Variant Classification Criteria Version 2. Collection method: clinical testing. Allele origin: germline. Affected: yes. Observed: 1 variant allele.
Comment: CHD2: BP4

ARUP Laboratories, Molecular Genetics and Genomics, ARUP Laboratories
Classification: Uncertain significance for Developmental and epileptic encephalopathy 94. Last evaluated: 2025-03-17. Review status: criteria provided, single submitter. Criteria: ARUP Molecular Germline Variant Investigation Process 2024. Collection method: clinical testing. Allele origin: germline.

Revvity Omics, Revvity
Classification: Uncertain significance for Developmental and epileptic encephalopathy 94. Last evaluated: 2023-11-02. Review status: criteria provided, single submitter. Criteria: ACMG Guidelines, 2015. Collection method: clinical testing. Allele origin: germline.

GeneDx
Classification: Likely benign. Last evaluated: 2020-04-01. Review status: criteria provided, single submitter. Criteria: GeneDx Variant Classification Process June 2021. Collection method: clinical testing. Allele origin: germline. Affected: yes.